The following is an entry in ClinVar:

NM_000535.7(PMS2):c.2170A>C (p.Ile724Leu)

Gene: PMS2 (PMS1 homolog 2, mismatch repair system component; minus strand). Cytogenetic location: 7p22.1.
Variant type: single nucleotide variant.
Coding change: c.2170A>C on transcript NM_000535.7 (MANE Select); coding-DNA position 2170, A replaced by C.
Protein change: p.Ile724Leu; replaces isoleucine 724 with leucine.
Molecular consequence: missense variant. On other transcripts: non-coding transcript variant (1), intron variant (4).
Genome position (GRCh38, 1-based): chr7:5,982,828, T>G on the plus strand (A>C on the coding strand, the complement: PMS2 is on the minus strand). VCF-style: chr7-5982828-T-G. GRCh37 (hg19) VCF-style: chr7-6022459-T-G.
Other names: c.1765A>C, p.Ile589Leu (NM_001322003.2, NM_001322004.2, NM_001322005.2 and 14 more transcripts); c.2014A>C, p.Ile672Leu (NM_001322006.2, NM_001406870.1); c.1852A>C, p.Ile618Leu (NM_001322007.2, NM_001322008.2, NM_001406883.1 and 1 more transcripts); c.1609A>C, p.Ile537Leu (NM_001322010.2, NM_001406906.1, NM_001406907.1); c.1237A>C, p.Ile413Leu (NM_001322011.2, NM_001322012.2); c.1597A>C, p.Ile533Leu (NM_001322013.2, NM_001406909.1); c.2170A>C, p.Ile724Leu (NM_001322014.2, NM_001406871.1); c.1861A>C, p.Ile621Leu (NM_001322015.2, NM_001406881.1, NM_001406882.1 and 5 more transcripts); and 16 more; short protein forms I323L, I413L, I467L, I533L, I537L, I553L, I566L, I569L.
Identifiers: ClinVar variation 4862107 (VCV004862107.1).
Genomic context (GRCh38, chr7:5,982,828, plus strand): 5'-TCTATTAGATCTTCAATTTGAGGGGGAGTCTGGGAATGAACACTAAACACACTCACGCTA[T>G]GAGCCTCTGCCCCTGGAGCACGGTGTGCTGCTGCAGCATCTCGAAGTTATACTTCTCGTC-3'
Protein context (NP_000526.2, residues 714-734): QHTVLQGQRL[Ile724Leu]APQTLNLTAV

ClinVar aggregate classification (germline): Uncertain significance (1 of 4 stars; one submission).

Conditions:
Hereditary cancer-predisposing syndrome. Also called: Neoplastic Syndromes, Hereditary; Tumor predisposition; Hereditary Cancer Syndrome; Hereditary neoplastic syndrome. Identifiers: Orphanet 140162, MedGen C0027672, MeSH D009386, MONDO:0015356.

Submission:

Ambry Genetics
Classification: Uncertain significance for Hereditary cancer-predisposing syndrome. Last evaluated: 2026-04-18. Review status: criteria provided, single submitter. Criteria: Ambry Variant Classification Scheme 2023. Collection method: clinical testing. Allele origin: germline.
Comment: The p.I724L variant (also known as c.2170A>C), located in coding exon 12 of the PMS2 gene, results from an A to C substitution at nucleotide position 2170. The isoleucine at codon 724 is replaced by leucine, an amino acid with highly similar properties. This amino acid position is conserved. In addition, the in silico prediction for this alteration is inconclusive. Based on the available evidence, the clinical significance of this variant remains unclear.